The following is an entry in ClinVar:

ClinVar aggregate classification (germline): Benign/Likely benign. Review status: criteria provided, multiple submitters, no conflicts (2 of 4 stars). 5 submissions from 5 submitters: Benign (2); Likely benign (3). Last evaluated 2025-10-06.

Conditions:
Brain small vessel disease 2A, autosomal dominant. Also called: Porencephaly 2. Identifiers: Orphanet 2940, Orphanet 99810, MedGen C3280970, MONDO:0013773, OMIM 614483.

Allele frequency attached by ClinVar (database versions not stated): gnomAD exomes 0.00024 and 0.00067; ExAC 0.00089; gnomAD 0.00240 and 0.00252; TOPMed 0.00273; ESP Exome Variant Server 0.00375; 1000 Genomes Project 0.00399; 1000 Genomes Project 30x 0.00422.
gnomAD v4.1: 724 of 1,614,264 alleles (0.045%); highest among the groups gnomAD compares: African/African-American, 0.88%; 2 homozygotes.

Submissions (11):

Labcorp Genetics (formerly Invitae), Labcorp
Classification: Benign. Last evaluated: 2025-10-06. Review status: criteria provided, single submitter. Criteria: Invitae Variant Classification Sherloc (09022015). Collection method: clinical testing. Allele origin: germline.

Mayo Clinic Laboratories, Mayo Clinic
Classification: Likely benign. Last evaluated: 2025-04-02. Review status: criteria provided, single submitter. Criteria: ACMG Guidelines, 2015. Collection method: clinical testing. Allele origin: germline. Observed: 1 variant allele.
Comment: BS1, BS2_supporting

Blueprint Genetics
Classification: Likely benign. Last evaluated: 2024-11-26. Review status: criteria provided, single submitter. Criteria: ACMG Guidelines, 2015. Collection method: clinical testing. Allele origin: germline.

CeGaT Center for Human Genetics Tuebingen
Classification: Likely benign. Last evaluated: 2024-04-01. Review status: criteria provided, single submitter. Criteria: CeGaT Center For Human Genetics Tuebingen Variant Classification Criteria Version 2. Collection method: clinical testing. Allele origin: germline. Affected: yes. Observed: 2 variant alleles.
Comment: COL4A2: BP4, BS1

Illumina Laboratory Services, Illumina
Classification: Benign for Brain small vessel disease 2A, autosomal dominant. Last evaluated: 2018-01-12. Review status: criteria provided, single submitter. Criteria: ICSL Variant Classification Criteria 13 December 2019. Collection method: clinical testing. Allele origin: germline.
Comment: This variant was observed in the ICSL laboratory as part of a predisposition screen in an ostensibly healthy population. It had not been previously curated by ICSL or reported in the Human Gene Mutation Database (HGMD: prior to June 1st, 2018), and was therefore a candidate for classification through an automated scoring system. Utilizing variant allele frequency, disease prevalence and penetrance estimates, and inheritance mode, an automated score was calculated to assess if this variant is too frequent to cause the disease. Based on the score and internal cut-off values, a variant classified as benign is not then subjected to further curation. The score for this variant resulted in a classification of benign for this disease.

Dr. Peter K. Rogan Lab, Western University
No classification provided (evidence only). Condition: Clear cell carcinoma of kidney. Review status: no classification provided. Collection method: in vitro. Allele origin: not applicable. Functional consequence: skipped exon. Not counted in ClinVar's aggregate classification.

Dr. Peter K. Rogan Lab, Western University
No classification provided (evidence only). Condition: Familial cancer of breast. Review status: no classification provided. Collection method: in vitro. Allele origin: not applicable. Functional consequence: retained intron. Not counted in ClinVar's aggregate classification.

Dr. Peter K. Rogan Lab, Western University
No classification provided (evidence only). Condition: Familial cancer of breast. Review status: no classification provided. Collection method: in vitro. Allele origin: not applicable. Functional consequence: retained intron. Not counted in ClinVar's aggregate classification.

Dr. Peter K. Rogan Lab, Western University
No classification provided (evidence only). Condition: Uterine corpus endometrial carcinoma. Review status: no classification provided. Collection method: in vitro. Allele origin: not applicable. Functional consequence: retained intron. Not counted in ClinVar's aggregate classification.

Dr. Peter K. Rogan Lab, Western University
No classification provided (evidence only). Condition: Uterine corpus endometrial carcinoma. Review status: no classification provided. Collection method: in vitro. Allele origin: not applicable. Functional consequence: skipped exon, retained intron. Not counted in ClinVar's aggregate classification.

Dr. Peter K. Rogan Lab, Western University
No classification provided (evidence only). Condition: Cervical cancer. Review status: no classification provided. Collection method: in vitro. Allele origin: not applicable. Functional consequence: skipped exon, retained intron. Not counted in ClinVar's aggregate classification.

NM_001846.4(COL4A2):c.1669+5G>C

Genes: COL4A2 (collagen type IV alpha 2 chain; plus strand), COL4A2-AS2 (COL4A2 antisense RNA 2; minus strand). Cytogenetic location: 13q34.
Variant type: single nucleotide variant.
Coding change: c.1669+5G>C on transcript NM_001846.4 (MANE Select); 5 bases into the intron after coding-DNA position 1669, G replaced by C.
Molecular consequence: intron variant.
Genome position (GRCh38, 1-based): chr13:110,462,191, G>C. VCF-style: chr13-110462191-G-C. GRCh37 (hg19) VCF-style: chr13-111114538-G-C.
Identifiers: ClinVar variation 713179 (VCV000713179.36), dbSNP rs147210424, ClinGen allele CA7049658.